The following is an entry in ClinVar:

ClinVar aggregate classification (germline): Conflicting classifications of pathogenicity. Review status: criteria provided, conflicting classifications (1 of 4 stars). 2 submissions from 2 submitters: Uncertain significance (1); Likely benign (1). Last evaluated 2025-06-17.

Conditions:
Exostoses, multiple, type 2 (EXT2). Also called: EXOSTOSES, MULTIPLE, TYPE II; Hereditary Multiple Osteochondromatosis, Type II. Identifiers: Orphanet 321, MedGen C1851413, MONDO:0007586, OMIM 133701.

Allele frequency attached by ClinVar (database versions not stated): ExAC 0.00002; gnomAD exomes 0.00002 and 0.00003; gnomAD 0.00005; TOPMed 0.00005.
gnomAD v4.1: 56 of 1,613,954 alleles (0.0035%); highest among the groups gnomAD compares: African/African-American, 0.0067%; no homozygotes.

Submissions (2):

St. Jude Molecular Pathology, St. Jude Children's Research Hospital
Classification: Uncertain significance for Exostoses, multiple, type 2. Last evaluated: 2025-06-17. Review status: criteria provided, single submitter. Criteria: St. Jude Assertion Criteria 2020. Collection method: clinical testing. Allele origin: germline.
Comment: The EXT2 c.1586C>T p.(Pro529Leu) missense change has a maximum subpopulation frequency of 0.012% in gnomAD v2.1.1. The in silico tool REVEL predicts a deleterious effect on protein function, but to our knowledge this prediction has not been confirmed by functional studies. To our knowledge, this variant has not been reported in individuals with hereditary multiple exostoses. In summary, the evidence currently available is insufficient to determine the clinical significance of this variant. It has therefore been classified as of uncertain significance.

Labcorp Genetics (formerly Invitae), Labcorp
Classification: Likely benign for Exostoses, multiple, type 2. Last evaluated: 2025-05-05. Review status: criteria provided, single submitter. Criteria: Invitae Variant Classification Sherloc (09022015). Collection method: clinical testing. Allele origin: germline.

NM_207122.2(EXT2):c.1487C>T (p.Pro496Leu)

Genes: EXT2 (exostosin glycosyltransferase 2; plus strand), LOC126861201 (MED14-independent group 3 enhancer GRCh37_chr11:44218806-44220005; plus strand). Cytogenetic location: 11p11.2.
Variant type: single nucleotide variant.
Coding change: c.1487C>T on transcript NM_207122.2 (MANE Select); coding-DNA position 1487, C replaced by T.
Protein change: p.Pro496Leu; replaces proline 496 with leucine.
Molecular consequence: missense variant.
Genome position (GRCh38, 1-based): chr11:44,198,010, C>T. VCF-style: chr11-44198010-C-T. GRCh37 (hg19) VCF-style: chr11-44219560-C-T.
Other names: c.1586C>T, p.Pro529Leu (NM_000401.3); c.1517C>T, p.Pro506Leu (NM_001178083.3); c.1487C>T, p.Pro496Leu (NM_001389628.1, NM_001389630.1); short protein forms P529L, P496L, P506L.
Identifiers: ClinVar variation 1355391 (VCV001355391.8), dbSNP rs772530256, ClinGen allele CA5955270.